The following is an entry in ClinVar:

NM_030962.4(SBF2):c.5102G>A (p.Arg1701Lys)

Genes: SBF2 (SET binding factor 2; minus strand), SBF2-AS1 (SBF2 antisense RNA 1; plus strand), LOC105369149 (uncharacterized LOC105369149; plus strand). Cytogenetic location: 11p15.4.
Variant type: single nucleotide variant.
Coding change: c.5102G>A on transcript NM_030962.4 (MANE Select); coding-DNA position 5102, G replaced by A.
Protein change: p.Arg1701Lys; replaces arginine 1701 with lysine.
Molecular consequence: missense variant.
Genome position (GRCh38, 1-based): chr11:9,785,254, C>T on the plus strand (G>A on the coding strand, the complement: SBF2 is on the minus strand). VCF-style: chr11-9785254-C-T. GRCh37 (hg19) VCF-style: chr11-9806801-C-T.
Other names: c.5198G>A, p.Arg1733Lys (NM_001386339.1); c.4973G>A, p.Arg1658Lys (NM_001386342.1); short protein forms R1701K, R1658K, R1733K.
Identifiers: ClinVar variation 568932 (VCV000568932.9), dbSNP rs914679014, ClinGen allele CA217606073.

ClinVar aggregate classification (germline): Uncertain significance (1 of 4 stars; one submission).

Conditions:
Charcot-Marie-Tooth disease type 4. Also called: Charcot-Marie-Tooth, Type 4; Charcot-Marie-Tooth disease, type IV. Identifiers: Orphanet 64749, MedGen C4082197, MONDO:0018995.

Allele frequency attached by ClinVar (database versions not stated): TOPMed below 0.00001.
gnomAD v4.1: 9 of 1,614,154 alleles (0.00056%); highest among the groups gnomAD compares: Non-Finnish European, 0.00076%; no homozygotes.

Submission:

Labcorp Genetics (formerly Invitae), Labcorp
Classification: Uncertain significance for Charcot-Marie-Tooth disease type 4. Last evaluated: 2022-10-24. Review status: criteria provided, single submitter. Criteria: Invitae Variant Classification Sherloc (09022015). Collection method: clinical testing. Allele origin: germline.
Comment: In summary, the available evidence is currently insufficient to determine the role of this variant in disease. Therefore, it has been classified as a Variant of Uncertain Significance. Advanced modeling of protein sequence and biophysical properties (such as structural, functional, and spatial information, amino acid conservation, physicochemical variation, residue mobility, and thermodynamic stability) performed at Invitae indicates that this missense variant is not expected to disrupt SBF2 protein function. ClinVar contains an entry for this variant (Variation ID: 568932). This variant has not been reported in the literature in individuals affected with SBF2-related conditions. This variant is not present in population databases (gnomAD no frequency). This sequence change replaces arginine, which is basic and polar, with lysine, which is basic and polar, at codon 1701 of the SBF2 protein (p.Arg1701Lys).